The following is an entry in ClinVar:

NM_016333.4(SRRM2):c.1525C>T (p.Arg509Ter)

Gene: SRRM2 (serine/arginine repetitive matrix 2; plus strand). Cytogenetic location: 16p13.3.
Variant type: single nucleotide variant.
Coding change: c.1525C>T on transcript NM_016333.4 (MANE Select); coding-DNA position 1525, C replaced by T.
Protein change: p.Arg509Ter; replaces arginine 509 with a stop codon.
Molecular consequence: nonsense.
Genome position (GRCh38, 1-based): chr16:2,762,053, C>T. VCF-style: chr16-2762053-C-T. GRCh37 (hg19) VCF-style: chr16-2812054-C-T.
Other names: short protein forms R509*.
Identifiers: ClinVar variation 4998259 (VCV004998259.1).

ClinVar aggregate classification (germline): Likely pathogenic (1 of 4 stars; one submission).

Conditions:
SRRM2-related disorder. Also called: SRRM2-related condition.

Submission:

PreventionGenetics, part of Exact Sciences
Classification: Likely pathogenic for SRRM2-related condition. Last evaluated: 2025-06-18. Review status: criteria provided, single submitter. Criteria: ACMG Guidelines, 2015. Collection method: clinical testing. Allele origin: germline.
Comment: The SRRM2 c.1525C>T variant is predicted to result in premature protein termination (p.Arg509*). To our knowledge, this variant has not been reported in the literature or in a large population database (gnomAD), indicating this variant is rare. Nonsense variants in SRRM2 are expected to be pathogenic. This variant is interpreted as likely pathogenic.